The following is an entry in ClinVar:

NM_024642.5(GALNT12):c.1083T>C (p.Val361=)

Gene: GALNT12 (polypeptide N-acetylgalactosaminyltransferase 12; plus strand). Cytogenetic location: 9q22.33.
Variant type: single nucleotide variant.
Coding change: c.1083T>C on transcript NM_024642.5 (MANE Select); coding-DNA position 1083, T replaced by C.
Protein change: p.Val361=; no amino-acid change (valine 361 retained).
Molecular consequence: synonymous variant.
Genome position (GRCh38, 1-based): chr9:98,837,019, T>C. VCF-style: chr9-98837019-T-C. GRCh37 (hg19) VCF-style: chr9-101599301-T-C.
Identifiers: ClinVar variation 772053 (VCV000772053.11), dbSNP rs1588453853, ClinGen allele CA466425010.

ClinVar aggregate classification (germline): Benign/Likely benign. Review status: criteria provided, multiple submitters, no conflicts (2 of 4 stars). 2 submissions from 2 submitters: Benign (1); Likely benign (1). Last evaluated 2026-04-27.

Conditions:
Colorectal cancer, susceptibility to, 1. Also called: COLORECTAL ADENOMA AND CANCER, SUSCEPTIBILITY TO; COLORECTAL CANCER, SUSCEPTIBILITY TO, ON CHROMOSOME 9. Identifiers: MedGen C1837315, MONDO:0012132, OMIM 608812.

Submissions (2):

Myriad Genetics, Inc.
Classification: Benign for Colorectal cancer, susceptibility to, 1. Last evaluated: 2026-04-27. Review status: criteria provided, single submitter. Criteria: Myriad Autosomal Dominant, Autosomal Recessive and X-Linked Classification Criteria (2023). Collection method: clinical testing. Allele origin: unknown.
Comment: This variant is considered benign. This variant is a silent/synonymous amino acid change and it is not expected to impact splicing.

Labcorp Genetics (formerly Invitae), Labcorp
Classification: Likely benign. Last evaluated: 2019-08-22. Review status: criteria provided, single submitter. Criteria: Invitae Variant Classification Sherloc (09022015). Collection method: clinical testing. Allele origin: germline.